The following is an entry in ClinVar:

NM_004863.4(SPTLC2):c.116C>T (p.Ala39Val)

Gene: SPTLC2 (serine palmitoyltransferase long chain base subunit 2; minus strand). Cytogenetic location: 14q24.3.
Variant type: single nucleotide variant.
Coding change: c.116C>T on transcript NM_004863.4 (MANE Select); coding-DNA position 116, C replaced by T.
Protein change: p.Ala39Val; replaces alanine 39 with valine.
Molecular consequence: missense variant.
Genome position (GRCh38, 1-based): chr14:77,616,464, G>A on the plus strand (C>T on the coding strand, the complement: SPTLC2 is on the minus strand). VCF-style: chr14-77616464-G-A. GRCh37 (hg19) VCF-style: chr14-78082807-G-A.
Other names: short protein forms A39V.
Identifiers: ClinVar variation 1058760 (VCV001058760.9), dbSNP rs1360384744, ClinGen allele CA390712088.

ClinVar aggregate classification (germline): Uncertain significance (1 of 4 stars; one submission).

Conditions:
Neuropathy, hereditary sensory and autonomic, type 1C. Also called: HSAN IC; HSN IC. Identifiers: Orphanet 36386, MedGen C3150896, MONDO:0013337, OMIM 613640.

Submission:

Labcorp Genetics (formerly Invitae), Labcorp
Classification: Uncertain significance for Neuropathy, hereditary sensory and autonomic, type 1C. Last evaluated: 2022-02-05. Review status: criteria provided, single submitter. Criteria: Invitae Variant Classification Sherloc (09022015). Collection method: clinical testing. Allele origin: germline.
Comment: In summary, the available evidence is currently insufficient to determine the role of this variant in disease. Therefore, it has been classified as a Variant of Uncertain Significance. Algorithms developed to predict the effect of missense changes on protein structure and function (SIFT, PolyPhen-2, Align-GVGD) all suggest that this variant is likely to be tolerated. ClinVar contains an entry for this variant (Variation ID: 1058760). This variant has not been reported in the literature in individuals affected with SPTLC2-related conditions. This variant is not present in population databases (gnomAD no frequency). This sequence change replaces alanine, which is neutral and non-polar, with valine, which is neutral and non-polar, at codon 39 of the SPTLC2 protein (p.Ala39Val).